The following is an entry in ClinVar:

NM_004813.4(PEX16):c.912G>C (p.Gln304His)

Gene: PEX16 (peroxisomal biogenesis factor 16; minus strand). Cytogenetic location: 11p11.2.
Variant type: single nucleotide variant.
Coding change: c.912G>C on transcript NM_004813.4 (MANE Select); coding-DNA position 912, G replaced by C.
Protein change: p.Gln304His; replaces glutamine 304 with histidine.
Molecular consequence: missense variant.
Genome position (GRCh38, 1-based): chr11:45,910,938, C>G on the plus strand (G>C on the coding strand, the complement: PEX16 is on the minus strand). VCF-style: chr11-45910938-C-G. GRCh37 (hg19) VCF-style: chr11-45932489-C-G.
Other names: c.912G>C, p.Gln304His (NM_057174.3); short protein forms Q304H.
Identifiers: ClinVar variation 2100722 (VCV002100722.4), dbSNP rs1431975952, ClinGen allele CA380224600.

ClinVar aggregate classification (germline): Uncertain significance (1 of 4 stars; one submission).

Conditions:
Peroxisome biogenesis disorder. Identifiers: Orphanet 79189, MedGen C1832200, MONDO:0019234. Disease mechanism: loss of function.

Submission:

Labcorp Genetics (formerly Invitae), Labcorp
Classification: Uncertain significance for Peroxisome biogenesis disorder. Last evaluated: 2023-11-27. Review status: criteria provided, single submitter. Criteria: Invitae Variant Classification Sherloc (09022015). Collection method: clinical testing. Allele origin: germline.
Comment: This sequence change replaces glutamine, which is neutral and polar, with histidine, which is basic and polar, at codon 304 of the PEX16 protein (p.Gln304His). This variant is not present in population databases (gnomAD no frequency). This variant has not been reported in the literature in individuals affected with PEX16-related conditions. ClinVar contains an entry for this variant (Variation ID: 2100722). Advanced modeling of protein sequence and biophysical properties (such as structural, functional, and spatial information, amino acid conservation, physicochemical variation, residue mobility, and thermodynamic stability) performed at Invitae indicates that this missense variant is not expected to disrupt PEX16 protein function with a negative predictive value of 80%. In summary, the available evidence is currently insufficient to determine the role of this variant in disease. Therefore, it has been classified as a Variant of Uncertain Significance.